The following is an entry in ClinVar:

ClinVar aggregate classification (germline): Uncertain significance (1 of 4 stars; one submission).

Conditions:
Atrial fibrillation, familial, 7 (ATFB7). Identifiers: MedGen C2677106, MONDO:0012828, OMIM 612240.

Allele frequency attached by ClinVar (database versions not stated): gnomAD 0.00001.
gnomAD v4.1: 2 of 1,548,068 alleles (0.00013%); highest among the groups gnomAD compares: Non-Finnish European, 0.000087%; no homozygotes.

Submission:

Labcorp Genetics (formerly Invitae), Labcorp
Classification: Uncertain significance for Atrial fibrillation, familial, 7. Last evaluated: 2023-04-28. Review status: criteria provided, single submitter. Criteria: Invitae Variant Classification Sherloc (09022015). Collection method: clinical testing. Allele origin: germline.
Comment: This sequence change replaces valine, which is neutral and non-polar, with methionine, which is neutral and non-polar, at codon 64 of the KCNA5 protein (p.Val64Met). This variant is not present in population databases (gnomAD no frequency). This variant has not been reported in the literature in individuals affected with KCNA5-related conditions. Experimental studies and prediction algorithms are not available or were not evaluated, and the functional significance of this variant is currently unknown. In summary, the available evidence is currently insufficient to determine the role of this variant in disease. Therefore, it has been classified as a Variant of Uncertain Significance.

NM_002234.4(KCNA5):c.190G>A (p.Val64Met)

Gene: KCNA5 (potassium voltage-gated channel subfamily A member 5; plus strand). Cytogenetic location: 12p13.32.
Variant type: single nucleotide variant.
Coding change: c.190G>A on transcript NM_002234.4 (MANE Select); coding-DNA position 190, G replaced by A.
Protein change: p.Val64Met; replaces valine 64 with methionine.
Molecular consequence: missense variant.
Genome position (GRCh38, 1-based): chr12:5,044,337, G>A. VCF-style: chr12-5044337-G-A. GRCh37 (hg19) VCF-style: chr12-5153503-G-A.
Other names: short protein forms V64M.
Identifiers: ClinVar variation 2865106 (VCV002865106.3), dbSNP rs1342009988, ClinGen allele CA383462073.